The following is an entry in ClinVar:

NM_000059.4(BRCA2):c.1233dup (p.Pro412fs)

Gene: BRCA2 (BRCA2 DNA repair associated; plus strand). Cytogenetic location: 13q13.1.
Variant type: Duplication.
Coding change: c.1233dup on transcript NM_000059.4 (MANE Select); coding-DNA position 1233, one base duplicated (A; older notation c.1233dupA).
Protein change: p.Pro412fs; shifts the reading frame from proline 412.
Molecular consequence: frameshift variant.
Genome position (GRCh38, 1-based): chr13:32,332,711, A duplicated. VCF-style (leftmost placement, unchanged base first): chr13-32332710-T-TA. GRCh37 (hg19) VCF-style: chr13-32906847-T-TA.
Other names: 1461insA; c.1233dupA (NM_000059.3); short protein forms P412fs.
Identifiers: ClinVar variation 51088 (VCV000051088.14), dbSNP rs80359270, ClinGen allele CA011268.

ClinVar aggregate classification (germline): Pathogenic. Review status: reviewed by expert panel (3 of 4 stars). 6 submissions from 6 submitters: Pathogenic (1). 5 of the submissions do not count toward it. Last evaluated 2016-09-08.

Conditions:
Hereditary cancer-predisposing syndrome. Also called: Neoplastic Syndromes, Hereditary; Hereditary neoplastic syndrome; Hereditary Cancer Syndrome; Tumor predisposition. Identifiers: Orphanet 140162, MedGen C0027672, MeSH D009386, MONDO:0015356.
Breast-ovarian cancer, familial, susceptibility to, 2 (BROVCA2). Also called: BRCA2 Hereditary Breast and Ovarian Cancer. Identifiers: Orphanet 145, MedGen C2675520, MONDO:0012933, OMIM 612555. Disease mechanism: loss of function.

Allele frequency attached by ClinVar (database versions not stated): gnomAD exomes below 0.00001.

Submissions (6):

Evidence-based Network for the Interpretation of Germline Mutant Alleles (ENIGMA)
Classification: Pathogenic for Breast-ovarian cancer, familial, susceptibility to, 2. Last evaluated: 2016-09-08. Review status: reviewed by expert panel. Criteria: ENIGMA BRCA1/2 Classification Criteria (2015). Collection method: curation. Allele origin: germline.
Comment: Variant allele predicted to encode a truncated non-functional protein.

Ambry Genetics
Classification: Pathogenic for Hereditary cancer-predisposing syndrome. Last evaluated: 2026-09-10. Review status: criteria provided, single submitter. Criteria: Ambry Variant Classification Scheme 2023. Collection method: clinical testing. Allele origin: germline. Not counted in ClinVar's aggregate classification.
Comment: The c.1233dupA pathogenic mutation, located in coding exon 9 of the BRCA2 gene, results from a duplication of A at nucleotide position 1233, causing a translational frameshift with a predicted alternate stop codon (p.P412Tfs*9). This variant is considered to be rare based on population cohorts in the Genome Aggregation Database (gnomAD). This alteration is expected to result in loss of function by premature protein truncation or nonsense-mediated mRNA decay. As such, this alteration is interpreted as a disease-causing mutation.

Center for Genomic Medicine, Rigshospitalet, Copenhagen University Hospital
Classification: Pathogenic. Last evaluated: 2025-03-04. Review status: criteria provided, single submitter. Criteria: ACMG Guidelines, 2015. Collection method: clinical testing. Allele origin: germline. Not counted in ClinVar's aggregate classification.

Clinical Genetics Laboratory, Skane University Hospital Lund
Classification: Pathogenic. Last evaluated: 2022-05-27. Review status: criteria provided, single submitter. Criteria: ACMG Guidelines, 2015. Collection method: clinical testing. Allele origin: germline. Affected: yes. Not counted in ClinVar's aggregate classification.

Consortium of Investigators of Modifiers of BRCA1/2 (CIMBA), c/o University of Cambridge
Classification: Pathogenic for Breast-ovarian cancer, familial, susceptibility to, 2. Last evaluated: 2015-10-02. Review status: criteria provided, single submitter. Criteria: CIMBA Mutation Classification guidelines May 2016. Collection method: clinical testing. Allele origin: germline. Not counted in ClinVar's aggregate classification.

Breast Cancer Information Core (BIC) (BRCA2)
Classification: Pathogenic for Breast-ovarian cancer, familial 2. Review status: no assertion criteria provided. Collection method: clinical testing. Allele origin: germline. Affected: yes. Observed: 1 variant allele. Not counted in ClinVar's aggregate classification.